The following is an entry in ClinVar:

ClinVar aggregate classification (germline): Uncertain significance (1 of 4 stars; one submission).

Conditions:
Neuromuscular disease caused by qualitative or quantitative defects of dysferlin. Also called: Dysferlinopathy; Qualitative or quantitative defects of dysferlin. Identifiers: Orphanet 207073, MedGen C2931687, MONDO:0016145.

Allele frequency attached by ClinVar (database versions not stated): gnomAD exomes below 0.00001; TOPMed below 0.00001.
gnomAD v4.1: 1 of 1,614,218 alleles (0.000062%); highest among the groups gnomAD compares: Non-Finnish European, 0.000085%; no homozygotes.

Submission:

Labcorp Genetics (formerly Invitae), Labcorp
Classification: Uncertain significance for Neuromuscular disease caused by qualitative or quantitative defects of dysferlin. Last evaluated: 2023-10-09. Review status: criteria provided, single submitter. Criteria: Invitae Variant Classification Sherloc (09022015). Collection method: clinical testing. Allele origin: germline.
Comment: This sequence change replaces lysine, which is basic and polar, with asparagine, which is neutral and polar, at codon 432 of the DYSF protein (p.Lys432Asn). This variant is present in population databases (no rsID available, gnomAD 0.0009%). This variant has not been reported in the literature in individuals affected with DYSF-related conditions. Advanced modeling of protein sequence and biophysical properties (such as structural, functional, and spatial information, amino acid conservation, physicochemical variation, residue mobility, and thermodynamic stability) performed at Invitae indicates that this missense variant is not expected to disrupt DYSF protein function. In summary, the available evidence is currently insufficient to determine the role of this variant in disease. Therefore, it has been classified as a Variant of Uncertain Significance.

NM_001130987.2(DYSF):c.1392G>C (p.Lys464Asn)

Gene: DYSF (dysferlin; plus strand). Cytogenetic location: 2p13.2.
Variant type: single nucleotide variant.
Coding change: c.1392G>C on transcript NM_001130987.2 (MANE Select); coding-DNA position 1392, G replaced by C.
Protein change: p.Lys464Asn; replaces lysine 464 with asparagine.
Molecular consequence: missense variant.
Genome position (GRCh38, 1-based): chr2:71,535,032, G>C. VCF-style: chr2-71535032-G-C. GRCh37 (hg19) VCF-style: chr2-71762162-G-C.
Other names: c.1299G>C, p.Lys433Asn (NM_001130455.2, NM_001130983.2, NM_001130984.2 and 1 more transcripts); c.1296G>C, p.Lys432Asn (NM_001130976.2, NM_001130977.2, NM_001130978.2 and 1 more transcripts); c.1389G>C, p.Lys463Asn (NM_001130979.2, NM_001130980.2, NM_001130981.2); c.1392G>C, p.Lys464Asn (NM_001130982.2, NM_001130985.2); short protein forms K432N, K463N, K433N, K464N.
Identifiers: ClinVar variation 2733563 (VCV002733563.3), dbSNP rs1254980582, ClinGen allele CA347215598.